The following is an entry in ClinVar:

ClinVar aggregate classification (germline): Pathogenic. Review status: criteria provided, multiple submitters, no conflicts (2 of 4 stars). 2 submissions from 2 submitters: Pathogenic (2). Last evaluated 2025-04-08.

Conditions:
CHM-related disorders.

Submissions (2):

Labcorp Genetics (formerly Invitae), Labcorp
Classification: Pathogenic. Last evaluated: 2025-04-08. Review status: criteria provided, single submitter. Criteria: Invitae Variant Classification Sherloc (09022015). Collection method: clinical testing. Allele origin: germline.
Comment: This sequence change creates a premature translational stop signal (p.Tyr323*) in the CHM gene. It is expected to result in an absent or disrupted protein product. Loss-of-function variants in CHM are known to be pathogenic (PMID: 9067750, 23811034). This variant is not present in population databases (gnomAD no frequency). This premature translational stop signal has been observed in individual(s) with choroideremia (PMID: 30995293). For these reasons, this variant has been classified as Pathogenic.

Blueprint Genetics
Classification: Pathogenic for CHM-related disorders. Last evaluated: 2019-09-30. Review status: criteria provided, single submitter. Criteria: ACMG Guidelines, 2015. Collection method: clinical testing. Allele origin: germline. Affected: yes. Observed: 1 variant allele.

Literature cited by the submitters: PubMed 9067750 (cited by Labcorp Genetics (formerly Invitae), Labcorp); PubMed 23811034 (cited by Labcorp Genetics (formerly Invitae), Labcorp); PubMed 30995293 (cited by Labcorp Genetics (formerly Invitae), Labcorp).

NM_000390.4(CHM):c.969_972del (p.Glu322_Tyr323insTer)

Gene: CHM (CHM Rab escort protein; minus strand). Cytogenetic location: Xq21.2.
Variant type: Deletion.
Coding change: c.969_972del on transcript NM_000390.4 (MANE Select); coding-DNA positions 969 to 972, 4 bases deleted (TTTA; older notation c.969_972delTTTA).
Protein change: p.Glu322_Tyr323insTer.
Molecular consequence: nonsense.
Genome position (GRCh38, 1-based): chrX:85,956,347-85,956,350, TAAA deleted on the plus strand (TTTA on the coding strand, the reverse complement: CHM is on the minus strand); deleting any 4 consecutive bases within chrX:85,956,347-85,956,352 gives the same sequence; the c. name uses the placement nearest the transcript's 3' end. VCF-style (leftmost placement, unchanged base first): chrX-85956346-TTAAA-T. GRCh37 (hg19) VCF-style: chrX-85211351-TTAAA-T.
Other names: c.525_528del, p.Glu174_Tyr175insTer (NM_001320959.1, NM_001362517.1, NM_001362518.2 and 1 more transcripts).
Identifiers: ClinVar variation 4710855 (VCV004710855.2).
Genomic context (GRCh38, chrX:85,956,346, plus strand): 5'-ATGTCATTGCAATTGAATGCATGACAATATATTGGAGGTTGGGGGTTAATTTTTGAGTCT[TTAAA>T]TATTCATAAAATGTGATCTCTTCATATCCTATGAAAAGATGAAATTTTATCACTTAAAAT-3'